The following is an entry in ClinVar:

ClinVar aggregate classification (germline): Uncertain significance. Review status: criteria provided, multiple submitters, no conflicts (2 of 4 stars). 3 submissions from 3 submitters: Uncertain significance (3). Last evaluated 2025-03-19.

Conditions:
Hereditary cancer-predisposing syndrome. Also called: Neoplastic Syndromes, Hereditary; Tumor predisposition; Hereditary Cancer Syndrome; Hereditary neoplastic syndrome. Identifiers: Orphanet 140162, MedGen C0027672, MeSH D009386, MONDO:0015356.
Hereditary nonpolyposis colorectal neoplasms. Identifiers: MedGen C0009405, MeSH D003123.

Submissions (3):

Labcorp Genetics (formerly Invitae), Labcorp
Classification: Uncertain significance for Hereditary nonpolyposis colorectal neoplasms. Last evaluated: 2025-03-19. Review status: criteria provided, single submitter. Criteria: Invitae Variant Classification Sherloc (09022015). Collection method: clinical testing. Allele origin: germline.
Comment: This sequence change replaces isoleucine, which is neutral and non-polar, with methionine, which is neutral and non-polar, at codon 188 of the MSH6 protein (p.Ile188Met). This variant is not present in population databases (gnomAD no frequency). This variant has not been reported in the literature in individuals affected with MSH6-related conditions. ClinVar contains an entry for this variant (Variation ID: 924291). Invitae Evidence Modeling of protein sequence and biophysical properties (such as structural, functional, and spatial information, amino acid conservation, physicochemical variation, residue mobility, and thermodynamic stability) indicates that this missense variant is not expected to disrupt MSH6 protein function with a negative predictive value of 95%. In summary, the available evidence is currently insufficient to determine the role of this variant in disease. Therefore, it has been classified as a Variant of Uncertain Significance.

Color Diagnostics, LLC DBA Color Health
Classification: Uncertain significance for Hereditary cancer-predisposing syndrome. Last evaluated: 2024-03-06. Review status: criteria provided, single submitter. Criteria: ACMG Guidelines, 2015. Collection method: clinical testing. Allele origin: germline.
Comment: This missense variant replaces isoleucine with methionine at codon 188 of the MSH6 protein. Computational prediction suggests that this variant may not impact protein structure and function (internally defined REVEL score threshold <= 0.5, PMID: 27666373). To our knowledge, functional studies have not been reported for this variant. This variant has not been reported in individuals affected with MSH6-related disorders in the literature. This variant has not been identified in the general population by the Genome Aggregation Database (gnomAD). The available evidence is insufficient to determine the role of this variant in disease conclusively. Therefore, this variant is classified as a Variant of Uncertain Significance.

Ambry Genetics
Classification: Uncertain significance for Hereditary cancer-predisposing syndrome. Last evaluated: 2023-05-07. Review status: criteria provided, single submitter. Criteria: Ambry Variant Classification Scheme 2023. Collection method: clinical testing. Allele origin: germline.
Comment: The p.I188M variant (also known as c.564T>G), located in coding exon 3 of the MSH6 gene, results from a T to G substitution at nucleotide position 564. The isoleucine at codon 188 is replaced by methionine, an amino acid with highly similar properties. This amino acid position is conserved. In addition, this alteration is predicted to be tolerated by in silico analysis. Since supporting evidence is limited at this time, the clinical significance of this alteration remains unclear.

NM_000179.3(MSH6):c.564T>G (p.Ile188Met)

Gene: MSH6 (mutS homolog 6; plus strand). Cytogenetic location: 2p16.3.
Variant type: single nucleotide variant.
Coding change: c.564T>G on transcript NM_000179.3 (MANE Select); coding-DNA position 564, T replaced by G.
Protein change: p.Ile188Met; replaces isoleucine 188 with methionine.
Molecular consequence: missense variant. On other transcripts: 5 prime UTR variant (1), intron variant (2).
Genome position (GRCh38, 1-based): chr2:47,796,000, T>G. VCF-style: chr2-47796000-T-G. GRCh37 (hg19) VCF-style: chr2-48023139-T-G.
Other names: c.-339T>G (NM_001281494.2); c.-279-2611T>G (NM_001281493.2); c.238-2611T>G (NM_001281492.2); short protein forms I188M.
Identifiers: ClinVar variation 924291 (VCV000924291.14), dbSNP rs1558656660, ClinGen allele CA346738779.